The following is an entry in ClinVar:

ClinVar aggregate classification (germline): Uncertain significance. Review status: criteria provided, single submitter (1 of 4 stars). 2 submissions from 2 submitters: Uncertain significance (1). 1 of the submissions does not count toward it. Last evaluated 2021-10-11.

Conditions:
ATP1A2-related disorder. Also called: ATP1A2-related condition; ATP1A2-RELATED DISORDERS.
Familial hemiplegic migraine. Identifiers: MedGen C0338484, MONDO:0000700.

Submissions (2):

Labcorp Genetics (formerly Invitae), Labcorp
Classification: Uncertain significance for Familial hemiplegic migraine. Last evaluated: 2021-10-11. Review status: criteria provided, single submitter. Criteria: Invitae Variant Classification Sherloc (09022015). Collection method: clinical testing. Allele origin: germline.
Comment: In summary, the available evidence is currently insufficient to determine the role of this variant in disease. Therefore, it has been classified as a Variant of Uncertain Significance. Advanced modeling of protein sequence and biophysical properties (such as structural, functional, and spatial information, amino acid conservation, physicochemical variation, residue mobility, and thermodynamic stability) performed at Invitae indicates that this missense variant is expected to disrupt ATP1A2 protein function. This variant has not been reported in the literature in individuals affected with ATP1A2-related conditions. This variant is not present in population databases (ExAC no frequency). This sequence change replaces isoleucine with phenylalanine at codon 995 of the ATP1A2 protein (p.Ile995Phe). The isoleucine residue is highly conserved and there is a small physicochemical difference between isoleucine and phenylalanine.

PreventionGenetics, part of Exact Sciences
Classification: Uncertain significance for ATP1A2-related condition. Last evaluated: 2024-08-21. Review status: no assertion criteria provided. Collection method: clinical testing. Allele origin: germline. Not counted in ClinVar's aggregate classification.
Comment: The ATP1A2 c.2983A>T variant is predicted to result in the amino acid substitution p.Ile995Phe. To our knowledge, this variant has not been reported in the literature or in a large population database, indicating this variant is rare. At this time, the clinical significance of this variant is uncertain due to the absence of conclusive functional and genetic evidence.

NM_000702.4(ATP1A2):c.2983A>T (p.Ile995Phe)

Gene: ATP1A2 (ATPase Na+/K+ transporting subunit alpha 2; plus strand). Cytogenetic location: 1q23.2.
Variant type: single nucleotide variant.
Coding change: c.2983A>T on transcript NM_000702.4 (MANE Select); coding-DNA position 2983, A replaced by T.
Protein change: p.Ile995Phe; replaces isoleucine 995 with phenylalanine.
Molecular consequence: missense variant.
Genome position (GRCh38, 1-based): chr1:160,139,933, A>T. VCF-style: chr1-160139933-A-T. GRCh37 (hg19) VCF-style: chr1-160109723-A-T.
Other names: c.2983A>T (NM_000702.3); short protein forms I995F.
Identifiers: ClinVar variation 1438175 (VCV001438175.7), dbSNP rs2101998794, ClinGen allele CA343256313.